The following is an entry in ClinVar:

NM_001365951.3(KIF1B):c.3160T>C (p.Ser1054Pro)

Gene: KIF1B (kinesin family member 1B; plus strand). Cytogenetic location: 1p36.22.
Variant type: single nucleotide variant.
Coding change: c.3160T>C on transcript NM_001365951.3 (MANE Select); coding-DNA position 3160, T replaced by C.
Protein change: p.Ser1054Pro; replaces serine 1054 with proline.
Molecular consequence: missense variant.
Genome position (GRCh38, 1-based): chr1:10,337,104, T>C. VCF-style: chr1-10337104-T-C. GRCh37 (hg19) VCF-style: chr1-10397162-T-C.
Other names: c.3160T>C, p.Ser1054Pro (NM_001365952.1); c.3022T>C, p.Ser1008Pro (NM_015074.3); short protein forms S1008P, S1054P.
Identifiers: ClinVar variation 2976086 (VCV002976086.4), dbSNP rs2521718950, ClinGen allele CA338339648.
Genomic context (GRCh38, chr1:10,337,104, plus strand): 5'-ACCATGTATCTGCCCCTGCCTTTTTTTCAGAGTGACTTTTCGTCTGTTGCAATGACTCGT[T>C]CTGGTCTGTCCTTGGAGGAGTTGAGGATTGTGGAAGGACAGGGTCAGAGTTCTGAGGTCA-3'
Protein context (NP_001352880.1, residues 1044-1064): SDFSSVAMTR[Ser1054Pro]GLSLEELRIV

ClinVar aggregate classification (germline): Uncertain significance. Review status: criteria provided, multiple submitters, no conflicts (2 of 4 stars). 2 submissions from 2 submitters: Uncertain significance (2). Last evaluated 2026-09-02.

Conditions:
Charcot-Marie-Tooth disease type 2. Also called: Charcot-Marie-Tooth type 2. Identifiers: Orphanet 64746, MedGen C0270914, MONDO:0018993.

Submissions (2):

Ambry Genetics
Classification: Uncertain significance. Last evaluated: 2026-09-02. Review status: criteria provided, single submitter. Criteria: Ambry Variant Classification Scheme 2023. Collection method: clinical testing. Allele origin: germline.
Comment: The p.S1008P variant (also known as c.3022T>C), located in coding exon 27 of the KIF1B gene, results from a T to C substitution at nucleotide position 3022. The serine at codon 1008 is replaced by proline, an amino acid with similar properties. This amino acid position is conserved. In addition, this alteration is predicted to be deleterious by in silico analysis. Based on the available evidence, the clinical significance of this variant remains unclear.

Labcorp Genetics (formerly Invitae), Labcorp
Classification: Uncertain significance for Charcot-Marie-Tooth disease type 2. Last evaluated: 2023-07-19. Review status: criteria provided, single submitter. Criteria: Invitae Variant Classification Sherloc (09022015). Collection method: clinical testing. Allele origin: germline.
Comment: This sequence change replaces serine, which is neutral and polar, with proline, which is neutral and non-polar, at codon 1008 of the KIF1B protein (p.Ser1008Pro). In summary, the available evidence is currently insufficient to determine the role of this variant in disease. Therefore, it has been classified as a Variant of Uncertain Significance. An algorithm developed to predict the effect of missense changes on protein structure and function (PolyPhen-2) suggests that this variant is likely to be disruptive. This variant has not been reported in the literature in individuals affected with KIF1B-related conditions. This variant is not present in population databases (gnomAD no frequency).